The following is an entry in ClinVar:

ClinVar aggregate classification (germline): Likely benign. Review status: criteria provided, multiple submitters, no conflicts (2 of 4 stars). 2 submissions from 2 submitters: Likely benign (2). Last evaluated 2026-05-28.

Conditions:
CRB2-related disorder. Also called: CRB2-related disorders; CRB2-related condition.

gnomAD v4.1: 70 of 1,597,512 alleles (0.0044%); highest among the groups gnomAD compares: Admixed American, 0.023%; 1 homozygote.

Submissions (2):

PreventionGenetics, part of Exact Sciences
Classification: Likely benign for CRB2-related condition. Last evaluated: 2026-05-28. Review status: criteria provided, single submitter. Criteria: ACMG Guidelines, 2015. Collection method: clinical testing. Allele origin: germline.
Comment: This variant is classified as likely benign based on ACMG/AMP sequence variant interpretation guidelines (Richards et al. 2015 PMID: 25741868, with internal and published modifications).

Labcorp Genetics (formerly Invitae), Labcorp
Classification: Likely benign. Last evaluated: 2023-09-08. Review status: criteria provided, single submitter. Criteria: Invitae Variant Classification Sherloc (09022015). Collection method: clinical testing. Allele origin: germline.

NM_173689.7(CRB2):c.471C>T (p.His157=)

Gene: CRB2 (crumbs cell polarity complex component 2; plus strand). Cytogenetic location: 9q33.3.
Variant type: single nucleotide variant.
Coding change: c.471C>T on transcript NM_173689.7 (MANE Select); coding-DNA position 471, C replaced by T.
Protein change: p.His157=; no amino-acid change (histidine 157 retained).
Molecular consequence: synonymous variant.
Genome position (GRCh38, 1-based): chr9:123,365,969, C>T. VCF-style: chr9-123365969-C-T. GRCh37 (hg19) VCF-style: chr9-126128248-C-T.
Other names: c.471C>T (NM_173689.6).
Identifiers: ClinVar variation 1981852 (VCV001981852.5), dbSNP rs113157023, ClinGen allele CA5231669.